The following is an entry in ClinVar:

NM_000038.6(APC):c.1052G>A (p.Gly351Glu)

Gene: APC (APC regulator of Wnt signaling pathway; plus strand). Cytogenetic location: 5q22.2.
Variant type: single nucleotide variant.
Coding change: c.1052G>A on transcript NM_000038.6 (MANE Select); coding-DNA position 1052, G replaced by A.
Protein change: p.Gly351Glu; replaces glycine 351 with glutamic acid.
Molecular consequence: missense variant. On other transcripts: non-coding transcript variant (2), intron variant (15).
Genome position (GRCh38, 1-based): chr5:112,819,084, G>A. VCF-style: chr5-112819084-G-A. GRCh37 (hg19) VCF-style: chr5-112154781-G-A.
Other names: c.875G>A, p.Gly292Glu (NM_001354901.2, NM_001407453.1, NM_001354900.2); c.203G>A, p.Gly68Glu (NM_001354906.2, NM_001407470.1); c.1082G>A, p.Gly361Glu (NM_001407446.1, NM_001354897.2); c.1052G>A, p.Gly351Glu (NM_001407447.1, NM_001407448.1, NM_001407449.1 and 4 more transcripts); c.977G>A, p.Gly326Glu (NM_001407451.1, NM_001354898.2); c.968G>A, p.Gly323Glu (NM_001407452.1, NM_001354899.2); c.998G>A, p.Gly333Glu (NM_001127511.3); c.85-185G>A (NM_001407472.1, NM_001407471.1); and 5 more; short protein forms G292E, G323E, G326E, G333E, G351E, G361E, G68E.
Identifiers: ClinVar variation 4539453 (VCV004539453.1).

ClinVar aggregate classification (germline): Uncertain significance (1 of 4 stars; one submission).

Submission:

Center for Genomic Medicine, Rigshospitalet, Copenhagen University Hospital
Classification: Uncertain significance. Last evaluated: 2025-12-29. Review status: criteria provided, single submitter. Criteria: ACMG Guidelines, 2015. Collection method: clinical testing. Allele origin: germline.
Comment: Classification criteria: PM2_supporting